The following is an entry in ClinVar:

ClinVar aggregate classification (germline): Uncertain significance (1 of 4 stars; one submission).

Conditions:
Long QT syndrome (LQTS). Identifiers: MedGen C0023976, MeSH D008133, MONDO:0002442. Disease mechanism: loss of function. Inheritance: Various modes of inheritance.

gnomAD v4.1: 1 of 1,613,994 alleles (0.000062%); highest among the groups gnomAD compares: Non-Finnish European, 0.000085%; no homozygotes.

Submission:

Labcorp Genetics (formerly Invitae), Labcorp
Classification: Uncertain significance for Long QT syndrome. Last evaluated: 2026-01-19. Review status: criteria provided, single submitter. Criteria: Invitae Variant Classification Sherloc (09022015). Collection method: clinical testing. Allele origin: germline.
Comment: This sequence change replaces glutamic acid, which is acidic and polar, with aspartic acid, which is acidic and polar, at codon 2816 of the AKAP9 protein (p.Glu2816Asp). This variant is not present in population databases (gnomAD no frequency). This variant has not been reported in the literature in individuals affected with AKAP9-related conditions. An algorithm developed to predict the effect of missense changes on protein structure and function outputs the following: PolyPhen-2: "Possibly Damaging". The aspartic acid amino acid residue is found in multiple mammalian species, which suggests that this missense change does not adversely affect protein function. In summary, the available evidence is currently insufficient to determine the role of this variant in disease. Therefore, it has been classified as a Variant of Uncertain Significance.

NM_005751.5(AKAP9):c.8448A>C (p.Glu2816Asp)

Gene: AKAP9 (A-kinase anchoring protein 9; plus strand). Cytogenetic location: 7q21.2.
Variant type: single nucleotide variant.
Coding change: c.8448A>C on transcript NM_005751.5 (MANE Select); coding-DNA position 8448, A replaced by C.
Protein change: p.Glu2816Asp; replaces glutamic acid 2816 with aspartic acid.
Molecular consequence: missense variant.
Genome position (GRCh38, 1-based): chr7:92,083,457, A>C. VCF-style: chr7-92083457-A-C. GRCh37 (hg19) VCF-style: chr7-91712771-A-C.
Other names: c.3093A>C, p.Glu1031Asp (NM_001379277.1); c.8424A>C, p.Glu2808Asp (NM_147185.3); short protein forms E1031D, E2808D, E2816D.
Identifiers: ClinVar variation 4705545 (VCV004705545.1).